The following is an entry in ClinVar:

NM_004415.4(DSP):c.8031G>C (p.Gln2677His)

Gene: DSP (desmoplakin; plus strand). Cytogenetic location: 6p24.3.
Variant type: single nucleotide variant.
Coding change: c.8031G>C on transcript NM_004415.4 (MANE Select); coding-DNA position 8031, G replaced by C.
Protein change: p.Gln2677His; replaces glutamine 2677 with histidine.
Molecular consequence: missense variant.
Genome position (GRCh38, 1-based): chr6:7,585,293, G>C. VCF-style: chr6-7585293-G-C. GRCh37 (hg19) VCF-style: chr6-7585526-G-C.
Other names: c.6234G>C, p.Gln2078His (NM_001008844.3); c.6702G>C, p.Gln2234His (NM_001319034.2); short protein forms Q2078H, Q2234H, Q2677H.
Identifiers: ClinVar variation 4536594 (VCV004536594.2).
Genomic context (GRCh38, chr6:7,585,293, plus strand): 5'-AGGTGGCATCATCCACCCAACCACGGGCCAGAAGCTGTCACTTCAGGACGCAGTCTCCCA[G>C]GGTGTGATTGACCAAGACATGGCCACCAGGCTGAAGCCTGCTCAGAAAGCCTTCATAGGC-3'
Protein context (NP_004406.2, residues 2667-2687): QKLSLQDAVS[Gln2677His]GVIDQDMATR

ClinVar aggregate classification (germline): Uncertain significance. Review status: criteria provided, multiple submitters, no conflicts (2 of 4 stars). 2 submissions from 2 submitters: Uncertain significance (2). Last evaluated 2026-06-30.

Conditions:
Cardiovascular phenotype. Identifiers: MedGen CN230736.

Submissions (2):

Ambry Genetics
Classification: Uncertain significance for Cardiovascular phenotype. Last evaluated: 2026-06-30. Review status: criteria provided, single submitter. Criteria: Ambry Variant Classification Scheme 2023. Collection method: clinical testing. Allele origin: germline.
Comment: The p.Q2677H variant (also known as c.8031G>C), located in coding exon 24 of the DSP gene, results from a G to C substitution at nucleotide position 8031. The glutamine at codon 2677 is replaced by histidine, an amino acid with highly similar properties. This amino acid position is highly conserved in available vertebrate species. In addition, the in silico prediction for this alteration is inconclusive. Based on the available evidence, the clinical significance of this variant remains unclear.

GeneDx
Classification: Uncertain significance. Last evaluated: 2025-06-06. Review status: criteria provided, single submitter. Criteria: GeneDx Variant Classification Process June 2021. Collection method: clinical testing. Allele origin: germline. Affected: yes.
Comment: Not observed at significant frequency in large population cohorts (gnomAD); In silico analysis supports that this missense variant has a deleterious effect on protein structure/function; Has not been previously published as pathogenic or benign to our knowledge